The following is an entry in ClinVar:

NM_000383.4(AIRE):c.1A>G (p.Met1Val)

Gene: AIRE (autoimmune regulator; plus strand). Cytogenetic location: 21q22.3.
Variant type: single nucleotide variant.
Coding change: c.1A>G on transcript NM_000383.4 (MANE Select); coding-DNA position 1, A replaced by G.
Protein change: p.Met1Val; changes the start codon (methionine 1).
Molecular consequence: missense variant, initiator codon variant.
Genome position (GRCh38, 1-based): chr21:44,286,007, A>G. VCF-style: chr21-44286007-A-G. GRCh37 (hg19) VCF-style: chr21-45705890-A-G.
Other names: short protein forms M1V.
Identifiers: ClinVar variation 551136 (VCV000551136.14), dbSNP rs121434258, ClinGen allele CA10051456.
Genomic context (GRCh38, chr21:44,286,007, plus strand): 5'-GCTGCCAGTGTCCCGGGACCCACCGCGTCCGCCCCAGCCCCGGGTCCCCGCGCCCACCCC[A>G]TGGCGACGGACGCGGCGCTACGCCGGCTTCTGAGGCTGCACCGCACGGAGATCGCGGTGG-3'
Protein context (NP_000374.1, residues 1-11): [Met1Val]ATDAALRRLL

ClinVar aggregate classification (germline): Pathogenic. Review status: criteria provided, multiple submitters, no conflicts (2 of 4 stars). 5 submissions from 5 submitters: Pathogenic (4). 1 of the submissions does not count toward it. Last evaluated 2025-09-10.

Conditions:
Inherited Immunodeficiency Diseases. Identifiers: MedGen C5197805, MeSH D000081207.
Polyglandular autoimmune syndrome, type 1 (APS1). Also called: Whitaker syndrome; HYPOADRENOCORTICISM WITH HYPOPARATHYROIDISM AND SUPERFICIAL MONILIASIS; Autoimmune polyendocrine syndrome type 1; PGA I; APS I; AUTOIMMUNE POLYENDOCRINE SYNDROME, TYPE I, WITH OR WITHOUT REVERSIBLE METAPHYSEAL DYSPLASIA. Identifiers: Orphanet 3453, MedGen C0085859, MONDO:0009411, OMIM 240300.

Allele frequency attached by ClinVar (database versions not stated): gnomAD exomes 0.00001; ExAC 0.00009; 1000 Genomes Project 0.00020; 1000 Genomes Project 30x 0.00031.

Submissions (5):

Genomic Medicine Center of Excellence, King Faisal Specialist Hospital and Research Centre
Classification: Pathogenic for Polyglandular autoimmune syndrome, type 1. Last evaluated: 2025-09-10. Review status: criteria provided, single submitter. Criteria: ACMG Guidelines, 2015. Collection method: clinical testing. Allele origin: germline.

Myriad Genetics, Inc.
Classification: Pathogenic for Polyglandular autoimmune syndrome, type 1. Last evaluated: 2025-08-14. Review status: criteria provided, single submitter. Criteria: Myriad Autosomal Dominant, Autosomal Recessive and X-Linked Classification Criteria (2023). Collection method: clinical testing. Allele origin: unknown.
Comment: NM_000383.3(AIRE):c.1A>G(M1?) is an initiation codon variant classified as pathogenic in the context of autoimmune polyglandular syndrome type 1. M1? has been observed in cases with relevant disease (PMID: 19758376, 28446514, 37437958). Relevant functional assessments of this variant are not available in the literature. M1? has been observed in referenced population frequency databases. In summary, NM_000383.3(AIRE):c.1A>G(M1?) is an initiation codon variant that has been observed more frequently in cases with the relevant disease than in healthy populations. Please note: this variant was assessed in the context of healthy population screening.

Labcorp Genetics (formerly Invitae), Labcorp
Classification: Pathogenic for Polyglandular autoimmune syndrome, type 1. Last evaluated: 2021-05-21. Review status: criteria provided, single submitter. Criteria: Invitae Variant Classification Sherloc (09022015). Collection method: clinical testing. Allele origin: germline.
Comment: This sequence change affects the initiator methionine of the AIRE mRNA. The next in-frame methionine is located at codon 184. For these reasons, this variant has been classified as Pathogenic. Disruption of the initiator codon has been observed in individual(s) with autosomal recessive autoimmune polyendocrinopathy syndrome (PMID: 19758376, 28446514, 28911151,16965330). In at least one individual the data is consistent with the variant being in trans (on the opposite chromosome) from a pathogenic variant. ClinVar contains an entry for this variant (Variation ID: 551136). While this variant is present in population databases (rs121434258), the frequency information is unreliable, as metrics indicate poor data quality at this position in the ExAC database.

NIHR Bioresource Rare Diseases, University of Cambridge
Classification: Pathogenic for Inherited Immunodeficiency Diseases. Last evaluated: 2019-01-01. Review status: criteria provided, single submitter. Criteria: ACMG Guidelines, 2015. Collection method: research. Allele origin: germline. Affected: yes. Observed: 1 homozygote.

Counsyl
Classification: Likely pathogenic for Polyglandular autoimmune syndrome, type 1. Last evaluated: 2017-03-16. Review status: no assertion criteria provided. Collection method: clinical testing. Allele origin: unknown. Not counted in ClinVar's aggregate classification.

Literature cited by the submitters: PubMed 19758376 (cited by 3 submitters); PubMed 28446514 (cited by Myriad Genetics, Inc. and Labcorp Genetics (formerly Invitae), Labcorp); PubMed 37437958 (cited by Myriad Genetics, Inc.); PubMed 28911151 (cited by Labcorp Genetics (formerly Invitae), Labcorp); PubMed 16965330 (cited by Labcorp Genetics (formerly Invitae), Labcorp).